The following is an entry in ClinVar:

NM_000054.7(AVPR2):c.409C>T (p.Arg137Cys)

Gene: AVPR2 (arginine vasopressin receptor 2; plus strand). Cytogenetic location: Xq28.
Variant type: single nucleotide variant.
Coding change: c.409C>T on transcript NM_000054.7 (MANE Select); coding-DNA position 409, C replaced by T.
Protein change: p.Arg137Cys; replaces arginine 137 with cysteine.
Molecular consequence: missense variant.
Genome position (GRCh38, 1-based): chrX:153,905,915, C>T. VCF-style: chrX-153905915-C-T. GRCh37 (hg19) VCF-style: chrX-153171369-C-T.
Other names: c.409C>T, p.Arg137Cys (NM_001146151.3); short protein forms R137C.
Identifiers: ClinVar variation 10854 (VCV000010854.12), dbSNP rs104894761, ClinGen allele CA121199.
Genomic context (GRCh38, chrX:153,905,915, plus strand): 5'-TATCTGCAGATGGTGGGCATGTATGCCTCCTCCTACATGATCCTGGCCATGACGCTGGAC[C>T]GCCACCGTGCCATCTGCCGTCCCATGCTGGCGTACCGCCATGGAAGTGGGGCTCACTGGA-3'
Protein context (NP_000045.1, residues 127-147): SYMILAMTLD[Arg137Cys]HRAICRPMLA

ClinVar aggregate classification (germline): Pathogenic. Review status: criteria provided, multiple submitters, no conflicts (2 of 4 stars). 7 submissions from 7 submitters: Pathogenic (6). 1 of the submissions does not count toward it. Last evaluated 2025-08-14.

Conditions:
Nephrogenic syndrome of inappropriate antidiuresis (NSIAD). Identifiers: Orphanet 93606, MedGen C1845202, MONDO:0010356, OMIM 300539.

Allele frequency attached by ClinVar (database versions not stated): gnomAD exomes below 0.00001 and 0.00001; ExAC 0.00001.

Submissions (7):

OLLIN Analises Genomicas, OLLIN
Classification: Pathogenic for Nephrogenic syndrome of inappropriate antidiuresis. Last evaluated: 2025-08-14. Review status: criteria provided, single submitter. Criteria: ACMG Guidelines 2015 PMID 25741868. Collection method: clinical testing. Allele origin: germline. Affected: yes. Observed: 1 variant allele.
Comment: The missense variant (chrX:153905915C>T), located in exon 3 (of 4) and absent in ClinVar, is reported in gnomAD v4.1 non-UKB with an allele frequency of 0.00022%, and in the scientific literature, in hemizygosity and segregating with the phenotype, in individuals with inappropriate antidiuresis syndrome (PMID: 20159941, 34645113, 26715131, 20148077, 18753429). Functional studies suggest that this variant affects protein function (PMID: 20159941) and in silico analysis predicts that it has a deleterious effect. There is another reported pathogenic variant that alters this same residue, but to a different amino acid (ClinVar ID: VCV000010849.12). According to the evidence currently available, this variant has been classified as pathogenic (PS3_P, PM2_P, PM3_VS, PM5, PP1, PP3_S).

Victorian Clinical Genetics Services, Murdoch Childrens Research Institute
Classification: Pathogenic for Nephrogenic syndrome of inappropriate antidiuresis. Last evaluated: 2022-06-24. Review status: criteria provided, single submitter. Criteria: ACMG Guidelines, 2015. Collection method: clinical testing. Allele origin: germline. Inheritance: X-linked recessive inheritance. Affected: yes.
Comment: Based on the classification scheme VCGS_Germline_v1.3.4, this variant is classified as Pathogenic. Following criteria are met: 0103 - Loss of function and gain of function are known mechanisms of disease in this gene and are associated with nephrogenic diabetes insipidus (MIM#304800) and nephrogenic syndrome of inappropriate antidiuresis (MIM#300539), respectively (PMID: 27355191). (I) 0109 - This gene is known to be associated with X-linked recessive disease. (I) 0200 - Variant is predicted to result in a missense amino acid change from arginine to cysteine. (I) 0253 - Variant is hemizygous. (I) 0304 - Variant is present in gnomAD <0.01 for a recessive condition (v2: 1 heterozygote, 0 homozygotes, 0 hemizygotes). (SP) 0309 - An alternative amino acid change at the same position has been observed in gnomAD (v2: 1 heterozygote, 0 homozygotes, 0 hemizygotes). (I) 0501 - Missense variant consistently predicted to be damaging by multiple in silico tools or highly conserved with a major amino acid change. (I) 0600 - Variant is located in the annotated transmembrane domain 3 (PMID: 15872203, 29546600). (I) 0702 - Comparable variants have strong previous evidence for pathogenicity. p.(Arg137Leu) has been shown to cause nephrogenic syndrome of inappropriate antidiuresis (ClinVar; PMID: 15872203, 29546600). p.(Arg137His) and p.(Arg137Gly) have been shown to cause nephrogenic diabetes insipidus (ClinVar; PMID: 8104196, 15872203, 27117808). (SP) 0801 - Strong previous evidence of pathogenicity in unrelated individuals. This variant has been previously reported as pathogenic in patients with nephrogenic syndrome of inappropriate antidiuresis (ClinVar, PMID: 15872203, 17229917, 29546600) (SP) 1002 - Moderate functional evidence supporting abnormal protein function. Functional studies showed that this variant caused constitutive activation of the receptor with high levels of cAMP (PMID: 15872203). (I) Legend: (SP) - Supporting pathogenic, (I) - Information, (SB) - Supporting benign

GeneDx
Classification: Pathogenic. Last evaluated: 2022-04-29. Review status: criteria provided, single submitter. Criteria: GeneDx Variant Classification Process June 2021. Collection method: clinical testing. Allele origin: germline. Affected: yes.
Comment: Published functional studies demonstrate that R137C results in constitutive activation of the AVP receptor with a 4-fold increase in basal cAMP production (Feldman et al., 2005; Tiulpakov et al., 2016; Ranieri et al., 2019); Not observed at significant frequency in large population cohorts (gnomAD); In silico analysis supports that this missense variant has a deleterious effect on protein structure/function; This variant is associated with the following publications: (PMID: 20159941, 16843086, 20631022, 19542240, 34645113, 21834801, 27355191, 17229917, 15872203, 18622631, 18753429, 32499611, 31486901, 26715131, 22154540, 29472987, 32486031)

3billion
Classification: Pathogenic for Nephrogenic syndrome of inappropriate antidiuresis. Last evaluated: 2022-03-22. Review status: criteria provided, single submitter. Criteria: ACMG Guidelines, 2015. Collection method: clinical testing. Allele origin: germline. Affected: yes. Observed: 1 hemizygote.
Comment: Same or different nucleotide change resulting in same amino acid change has been previously reported as pathogenic/likely pathogenic with strong evidence (ClinVar ID: VCV000010854, PMID:15872203). The variant has been reported to co-segregate with the disease in at least 3 similarly affected relatives/individuals in the same family or similarly affected unrelated families (PMID: 20159941). Functional studies provide strong evidence of the variant having a damaging effect on the gene or gene product (PMID: 20159941). A different missense change at the same codon has been reported as pathogenic/likely pathogenic with strong evidence (ClinVar ID: VCV000035739, PMID:27117808,8104196,15872203). In silico tool predictions suggest damaging effect of the variant on gene or gene product (REVEL: 0.93>=0.6, 3CNET: 0.921>=0.75). It is observed at an extremely low frequency in the gnomAD v2.1.1 dataset (total allele frequency: 0.0000057). Therefore, this variant is classified as pathogenic according to the recommendation of ACMG/AMP guideline.

Laboratory of Molecular Genetics (Pr. Bezieau's lab), CHU de Nantes
Classification: Pathogenic. Last evaluated: 2019-12-12. Review status: criteria provided, single submitter. Criteria: ACMG Guidelines, 2015. Collection method: clinical testing. Allele origin: germline. Affected: yes.

Juno Genomics, Hangzhou Juno Genomics, Inc
Classification: Pathogenic for Nephrogenic syndrome of inappropriate antidiuresis. Review status: criteria provided, single submitter. Criteria: ACMG Guidelines, 2015. Collection method: clinical testing. Allele origin: germline. Affected: yes.
Comment: Absent from controls (or at extremely low frequency if recessive) in Genome Aggregation Database, Exome Sequencing Project, 1000 Genomes Project, or Exome Aggregation Consortium.;The prevalence of the variant in affected individuals is significantly increased compared to the prevalence in controls.;Patient's phenotype or family history is highly specific for a disease with a single genetic etiology.;Novel missense change at an amino acid residue where a different missense change determined to be pathogenic has been seen before.;Well-established in vitro or in vivo functional studies supportive of a damaging effect on the gene or gene product.

OMIM
Classification: Pathogenic for NEPHROGENIC SYNDROME OF INAPPROPRIATE ANTIDIURESIS. Last evaluated: 2005-05-05. Review status: no assertion criteria provided. Collection method: literature only. Allele origin: germline. Not counted in ClinVar's aggregate classification.

Literature cited by the submitters: PubMed 20159941 (cited by OLLIN Analises Genomicas, OLLIN and 3billion); PubMed 34645113 (cited by OLLIN Analises Genomicas, OLLIN); PubMed 26715131 (cited by OLLIN Analises Genomicas, OLLIN); PubMed 20148077 (cited by OLLIN Analises Genomicas, OLLIN); PubMed 18753429 (cited by OLLIN Analises Genomicas, OLLIN); PubMed 8104196 (cited by Victorian Clinical Genetics Services, Murdoch Childrens Research Institute and 3billion); PubMed 15872203 (cited by 3 submitters); PubMed 17229917 (cited by Victorian Clinical Genetics Services, Murdoch Childrens Research Institute); PubMed 27117808 (cited by Victorian Clinical Genetics Services, Murdoch Childrens Research Institute and 3billion); PubMed 27355191 (cited by Victorian Clinical Genetics Services, Murdoch Childrens Research Institute); PubMed 29546600 (cited by Victorian Clinical Genetics Services, Murdoch Childrens Research Institute).